The following is an entry in ClinVar:

ClinVar aggregate classification (germline): Uncertain significance (1 of 4 stars; one submission).

gnomAD v4.1: 2 of 1,179,349 alleles (0.00017%); highest among the groups gnomAD compares: African/African-American, 0.0017%; no homozygotes.

Submission:

Labcorp Genetics (formerly Invitae), Labcorp
Classification: Uncertain significance. Last evaluated: 2024-07-04. Review status: criteria provided, single submitter. Criteria: Invitae Variant Classification Sherloc (09022015). Collection method: clinical testing. Allele origin: germline.
Comment: This sequence change replaces leucine, which is neutral and non-polar, with phenylalanine, which is neutral and non-polar, at codon 125 of the DRP2 protein (p.Leu125Phe). This variant is not present in population databases (gnomAD no frequency). This variant has not been reported in the literature in individuals affected with DRP2-related conditions. Advanced modeling of protein sequence and biophysical properties (such as structural, functional, and spatial information, amino acid conservation, physicochemical variation, residue mobility, and thermodynamic stability) has been performed at Invitae for this missense variant, however the output from this modeling did not meet the statistical confidence thresholds required to predict the impact of this variant on DRP2 protein function. In summary, the available evidence is currently insufficient to determine the role of this variant in disease. Therefore, it has been classified as a Variant of Uncertain Significance.

NM_001939.3(DRP2):c.375G>C (p.Leu125Phe)

Gene: DRP2 (dystrophin related protein 2; plus strand). Cytogenetic location: Xq22.1.
Variant type: single nucleotide variant.
Coding change: c.375G>C on transcript NM_001939.3 (MANE Select); coding-DNA position 375, G replaced by C.
Protein change: p.Leu125Phe; replaces leucine 125 with phenylalanine.
Molecular consequence: missense variant.
Genome position (GRCh38, 1-based): chrX:101,237,712, G>C. VCF-style: chrX-101237712-G-C. GRCh37 (hg19) VCF-style: chrX-100492701-G-C.
Other names: c.141G>C, p.Leu47Phe (NM_001171184.2); short protein forms L125F, L47F.
Identifiers: ClinVar variation 3637942 (VCV003637942.2).